The following is an entry in ClinVar:

ClinVar aggregate classification (germline): Likely benign (0 of 4 stars; one submission).

Conditions:
SYNM-related disorder. Also called: SYNM-related condition.

Allele frequency attached by ClinVar (database versions not stated): ExAC 0.00014; 1000 Genomes Project 0.00020; 1000 Genomes Project 30x 0.00078; TOPMed 0.00159; gnomAD 0.00162.
gnomAD v4.1: 4,803 of 1,486,522 alleles (0.32%); highest among the groups gnomAD compares: Non-Finnish European, 0.4%; 12 homozygotes.

Submission:

PreventionGenetics, part of Exact Sciences
Classification: Likely benign for SYNM-related condition. Last evaluated: 2019-09-17. Review status: no assertion criteria provided. Collection method: clinical testing. Allele origin: germline.
Comment: This variant is classified as likely benign based on ACMG/AMP sequence variant interpretation guidelines (Richards et al. 2015 PMID: 25741868, with internal and published modifications).

NM_145728.3(SYNM):c.499C>T (p.Arg167Cys)

Genes: SYNM (synemin; plus strand), SYNM-AS1 (SYNM antisense RNA 1; minus strand), LOC130058014 (ATAC-STARR-seq lymphoblastoid silent region 6864; plus strand). Cytogenetic location: 15q26.3.
Variant type: single nucleotide variant.
Coding change: c.499C>T on transcript NM_145728.3 (MANE Select); coding-DNA position 499, C replaced by T.
Protein change: p.Arg167Cys; replaces arginine 167 with cysteine.
Molecular consequence: missense variant. On other transcripts: non-coding transcript variant (1).
Genome position (GRCh38, 1-based): chr15:99,105,698, C>T. VCF-style: chr15-99105698-C-T. GRCh37 (hg19) VCF-style: chr15-99645904-C-T.
Other names: c.499C>T, p.Arg167Cys (NM_015286.6); short protein forms R167C.
Identifiers: ClinVar variation 3041138 (VCV003041138.2), dbSNP rs551357888, ClinGen allele CA7753286.
Genomic context (GRCh38, chr15:99,105,698, plus strand): 5'-GCCCACGAACGCGACGTGAGGGAGCTGCGCGCGCGCGCCGCCAGCCTTACCATGCATTTC[C>T]GCGCCCGCGCCACCGGCCCCGCCGCGCCGCCGCCACGCCTGCGGGAGGTGCACGACAGCT-3'
Protein context (NP_663780.2, residues 157-177): ARAASLTMHF[Arg167Cys]ARATGPAAPP